The following is an entry in ClinVar:

ClinVar aggregate classification (germline): Uncertain significance (1 of 4 stars; one submission).

Submission:

Labcorp Genetics (formerly Invitae), Labcorp
Classification: Uncertain significance. Last evaluated: 2022-07-13. Review status: criteria provided, single submitter. Criteria: Invitae Variant Classification Sherloc (09022015). Collection method: clinical testing. Allele origin: germline.
Comment: This sequence change replaces threonine, which is neutral and polar, with alanine, which is neutral and non-polar, at codon 2523 of the ADGRV1 protein (p.Thr2523Ala). This variant is not present in population databases (gnomAD no frequency). This variant has not been reported in the literature in individuals affected with ADGRV1-related conditions. Algorithms developed to predict the effect of missense changes on protein structure and function are either unavailable or do not agree on the potential impact of this missense change (SIFT: "Deleterious"; PolyPhen-2: "Possibly Damaging"; Align-GVGD: "Class C0"). In summary, the available evidence is currently insufficient to determine the role of this variant in disease. Therefore, it has been classified as a Variant of Uncertain Significance.

NM_032119.4(ADGRV1):c.7567A>G (p.Thr2523Ala)

Gene: ADGRV1 (adhesion G protein-coupled receptor V1; plus strand). Cytogenetic location: 5q14.3.
Variant type: single nucleotide variant.
Coding change: c.7567A>G on transcript NM_032119.4 (MANE Select); coding-DNA position 7567, A replaced by G.
Protein change: p.Thr2523Ala; replaces threonine 2523 with alanine.
Molecular consequence: missense variant. On other transcripts: non-coding transcript variant (1).
Genome position (GRCh38, 1-based): chr5:90,694,323, A>G. VCF-style: chr5-90694323-A-G. GRCh37 (hg19) VCF-style: chr5-89990140-A-G.
Other names: short protein forms T2523A.
Identifiers: ClinVar variation 2096158 (VCV002096158.1), dbSNP rs2530952455, ClinGen allele CA360379453.